The following is an entry in ClinVar:

NM_004977.3(KCNC3):c.130G>T (p.Ala44Ser)

Genes: KCNC3 (potassium voltage-gated channel subfamily C member 3; minus strand), LOC111811967 (Sharpr-MPRA regulatory region 11330/13384; plus strand). Cytogenetic location: 19q13.33.
Variant type: single nucleotide variant.
Coding change: c.130G>T on transcript NM_004977.3 (MANE Select); coding-DNA position 130, G replaced by T.
Protein change: p.Ala44Ser; replaces alanine 44 with serine.
Molecular consequence: missense variant. On other transcripts: 5 prime UTR variant (1).
Genome position (GRCh38, 1-based): chr19:50,328,953, C>A on the plus strand (G>T on the coding strand, the complement: KCNC3 is on the minus strand). VCF-style: chr19-50328953-C-A. GRCh37 (hg19) VCF-style: chr19-50832210-C-A.
Other names: c.-99G>T (NM_001372305.1); c.130G>T (NM_004977.2); short protein forms A44S.
Identifiers: ClinVar variation 1404148 (VCV001404148.9), dbSNP rs1460375274, ClinGen allele CA406956620.

ClinVar aggregate classification (germline): Uncertain significance. Review status: criteria provided, multiple submitters, no conflicts (2 of 4 stars). 2 submissions from 2 submitters: Uncertain significance (2). Last evaluated 2025-11-05.

Conditions:
Inborn genetic diseases. Identifiers: MedGen C0950123, MeSH D030342.

Allele frequency attached by ClinVar (database versions not stated): gnomAD exomes 0.00002.

Submissions (2):

Ambry Genetics
Classification: Uncertain significance for Inborn genetic diseases. Last evaluated: 2025-11-05. Review status: criteria provided, single submitter. Criteria: Ambry Variant Classification Scheme 2023. Collection method: clinical testing. Allele origin: germline.

Labcorp Genetics (formerly Invitae), Labcorp
Classification: Uncertain significance. Last evaluated: 2024-10-30. Review status: criteria provided, single submitter. Criteria: Invitae Variant Classification Sherloc (09022015). Collection method: clinical testing. Allele origin: germline.
Comment: This sequence change replaces alanine, which is neutral and non-polar, with serine, which is neutral and polar, at codon 44 of the KCNC3 protein (p.Ala44Ser). This variant is present in population databases (no rsID available, gnomAD 0.007%). This variant has not been reported in the literature in individuals affected with KCNC3-related conditions. ClinVar contains an entry for this variant (Variation ID: 1404148). Invitae Evidence Modeling of protein sequence and biophysical properties (such as structural, functional, and spatial information, amino acid conservation, physicochemical variation, residue mobility, and thermodynamic stability) indicates that this missense variant is not expected to disrupt KCNC3 protein function with a negative predictive value of 95%. In summary, the available evidence is currently insufficient to determine the role of this variant in disease. Therefore, it has been classified as a Variant of Uncertain Significance.